The following is an entry in ClinVar:

NM_012120.3(CD2AP):c.251G>A (p.Arg84Gln)

Gene: CD2AP (CD2 associated protein; plus strand). Cytogenetic location: 6p12.3.
Variant type: single nucleotide variant.
Coding change: c.251G>A on transcript NM_012120.3 (MANE Select); coding-DNA position 251, G replaced by A.
Protein change: p.Arg84Gln; replaces arginine 84 with glutamine.
Molecular consequence: missense variant.
Genome position (GRCh38, 1-based): chr6:47,533,687, G>A. VCF-style: chr6-47533687-G-A. GRCh37 (hg19) VCF-style: chr6-47501423-G-A.
Other names: short protein forms R84Q.
Identifiers: ClinVar variation 2360329 (VCV002360329.4), dbSNP rs371293071, ClinGen allele CA3843931.

ClinVar aggregate classification (germline): Uncertain significance. Review status: criteria provided, multiple submitters, no conflicts (2 of 4 stars). 3 submissions from 3 submitters: Uncertain significance (3). Last evaluated 2025-02-28.

Conditions:
Inborn genetic diseases. Identifiers: MedGen C0950123, MeSH D030342.
CD2AP-related disorder. Also called: CD2AP-related condition.
Focal segmental glomerulosclerosis 3, susceptibility to (FSGS3). Identifiers: Orphanet 656, MedGen C1842982, MONDO:0011917, OMIM 607832.

Allele frequency attached by ClinVar (database versions not stated): gnomAD 0.00013; TOPMed 0.00017; ESP Exome Variant Server 0.00031.
gnomAD v4.1: 61 of 1,613,922 alleles (0.0038%); highest among the groups gnomAD compares: African/African-American, 0.047%; 1 homozygote.

Submissions (3):

Molecular Genetics McLendon Clinical Laboratories, University of North Carolina at Chapel Hill
Classification: Uncertain significance for Focal segmental glomerulosclerosis 3, susceptibility to. Last evaluated: 2025-02-28. Review status: criteria provided, single submitter. Criteria: ACMG Guidelines, 2015. Collection method: clinical testing. Allele origin: germline.

PreventionGenetics, part of Exact Sciences
Classification: Uncertain significance for CD2AP-related condition. Last evaluated: 2023-04-18. Review status: criteria provided, single submitter. Criteria: ACMG Guidelines, 2015. Collection method: clinical testing. Allele origin: germline.
Comment: The CD2AP c.251G>A variant is predicted to result in the amino acid substitution p.Arg84Gln. To our knowledge, this variant has not been reported in the literature. This variant is reported in 0.068% of alleles in individuals of African descent in gnomAD. At this time, the clinical significance of this variant is uncertain due to the absence of conclusive functional and genetic evidence.

Ambry Genetics
Classification: Uncertain significance for Inborn genetic diseases. Last evaluated: 2021-09-17. Review status: criteria provided, single submitter. Criteria: Ambry Variant Classification Scheme 2023. Collection method: clinical testing. Allele origin: germline.